The following is an entry in ClinVar:

ClinVar aggregate classification (germline): Uncertain significance (1 of 4 stars; one submission).

Submission:

Labcorp Genetics (formerly Invitae), Labcorp
Classification: Uncertain significance. Last evaluated: 2023-09-19. Review status: criteria provided, single submitter. Criteria: Invitae Variant Classification Sherloc (09022015). Collection method: clinical testing. Allele origin: germline.
Comment: In summary, the available evidence is currently insufficient to determine the role of this variant in disease. Therefore, it has been classified as a Variant of Uncertain Significance. This variant has not been reported in the literature in individuals affected with TSR2-related conditions. This variant is not present in population databases (gnomAD no frequency). This sequence change affects codon 56 of the TSR2 mRNA. It is a 'silent' change, meaning that it does not change the encoded amino acid sequence of the TSR2 protein.

NM_058163.3(TSR2):c.168C>G (p.Arg56=)

Gene: TSR2 (TSR2 ribosome maturation factor; plus strand). Cytogenetic location: Xp11.22.
Variant type: single nucleotide variant.
Coding change: c.168C>G on transcript NM_058163.3 (MANE Select); coding-DNA position 168, C replaced by G.
Protein change: p.Arg56=; no amino-acid change (arginine 56 retained).
Molecular consequence: synonymous variant. On other transcripts: 5 prime UTR variant (2), intron variant (1).
Genome position (GRCh38, 1-based): chrX:54,440,776, C>G. VCF-style: chrX-54440776-C-G. GRCh37 (hg19) VCF-style: chrX-54467209-C-G.
Other names: c.168C>G, p.Arg56= (NM_001346789.2); c.-220C>G (NM_001346790.2); c.-229C>G (NM_001346791.2); c.-114+274C>G (NM_001346792.2).
Identifiers: ClinVar variation 2822709 (VCV002822709.3), dbSNP rs1364991204, ClinGen allele CA516591068.